The following is an entry in ClinVar:

NM_001204.7(BMPR2):c.1414-37dup

Gene: BMPR2 (bone morphogenetic protein receptor type 2; plus strand). Cytogenetic location: 2q33.2.
Variant type: Duplication.
Coding change: c.1414-37dup on transcript NM_001204.7 (MANE Select); 37 bases into the intron before coding-DNA position 1414, one base duplicated (T; older notation c.1414-37dupT).
Molecular consequence: intron variant.
Genome position (GRCh38, 1-based): chr2:202,552,679, T duplicated; the last of 11 consecutive T bases (chr2:202,552,669-202,552,679); duplicating any one gives the same sequence. VCF-style (leftmost placement, unchanged base first): chr2-202552668-A-AT. GRCh37 (hg19) VCF-style: chr2-203417391-A-AT.
Identifiers: ClinVar variation 1693063 (VCV001693063.2), dbSNP rs539397286, ClinGen allele CA2061365.
Genomic context (GRCh38, chr2:202,552,668, plus strand): 5'-TACTGGTTAAGGTAATTGATTTTTCTTTTACCTCATGTGGTAAACTGAAAAGCTCAATAC[A>AT]TTTTTTTTTTTAAAGACACATGGTTTGACATGTACTTTGTCTTACAGGCAGTGAGGTCAC-3'

ClinVar aggregate classification (germline): Likely benign (1 of 4 stars; one submission).

Submission:

GeneDx
Classification: Likely benign. Last evaluated: 2020-08-20. Review status: criteria provided, single submitter. Criteria: GeneDx Variant Classification Process June 2021. Collection method: clinical testing. Allele origin: germline. Affected: yes.
Comment: See Variant Classification Assertion Criteria.